The following is an entry in ClinVar:

NM_000229.2(LCAT):c.143C>T (p.Pro48Leu)

Genes: LCAT (lecithin-cholesterol acyltransferase; minus strand), SLC12A4 (solute carrier family 12 member 4; minus strand). Cytogenetic location: 16q22.1.
Variant type: single nucleotide variant.
Coding change: c.143C>T on transcript NM_000229.2 (MANE Select); coding-DNA position 143, C replaced by T.
Protein change: p.Pro48Leu; replaces proline 48 with leucine.
Molecular consequence: missense variant. On other transcripts: 3 prime UTR variant (5).
Genome position (GRCh38, 1-based): chr16:67,943,959, G>A on the plus strand (C>T on the coding strand, the complement: LCAT is on the minus strand). VCF-style: chr16-67943959-G-A. GRCh37 (hg19) VCF-style: chr16-67977862-G-A.
Other names: c.*881C>T (NM_001145961.2, NM_001145962.1, NM_001145963.2 and 2 more transcripts); short protein forms P48L.
Identifiers: ClinVar variation 4046471 (VCV004046471.1).

ClinVar aggregate classification (germline): Uncertain significance (1 of 4 stars; one submission).

Conditions:
Cardiovascular phenotype. Identifiers: MedGen CN230736.

gnomAD v4.1: 1 of 1,547,236 alleles (0.000065%); highest among the groups gnomAD compares: South Asian, 0.0012%; no homozygotes.

Submission:

Ambry Genetics
Classification: Uncertain significance for Cardiovascular phenotype. Last evaluated: 2025-05-06. Review status: criteria provided, single submitter. Criteria: Ambry Variant Classification Scheme 2023. Collection method: clinical testing. Allele origin: germline.
Comment: The p.P48L variant (also known as c.143C>T), located in coding exon 1 of the LCAT gene, results from a C to T substitution at nucleotide position 143. The proline at codon 48 is replaced by leucine, an amino acid with similar properties. This amino acid position is conserved. In addition, this alteration is predicted to be deleterious by in silico analysis. Based on the available evidence, the clinical significance of this variant remains unclear.